The following is an entry in ClinVar:

NM_000137.4(FAH):c.706+1G>A

Gene: FAH (fumarylacetoacetate hydrolase; plus strand). Cytogenetic location: 15q25.1.
Variant type: single nucleotide variant.
Coding change: c.706+1G>A on transcript NM_000137.4 (MANE Select); the canonical splice donor site of the intron after coding-DNA position 706, G replaced by A.
Molecular consequence: splice donor variant.
Genome position (GRCh38, 1-based): chr15:80,172,249, G>A. VCF-style: chr15-80172249-G-A. GRCh37 (hg19) VCF-style: chr15-80464591-G-A.
Other names: c.706+1G>A (NM_001374377.1, NM_001374380.1).
Identifiers: ClinVar variation 3002286 (VCV003002286.4), dbSNP rs2505853906, ClinGen allele CA393620625.

ClinVar aggregate classification (germline): Likely pathogenic. Review status: criteria provided, multiple submitters, no conflicts (2 of 4 stars). 2 submissions from 2 submitters: Likely pathogenic (2). Last evaluated 2024-06-07.

Conditions:
Tyrosinemia type I (TYRSN1). Also called: Tyrosinemia type 1; Fumarylacetoacetase deficiency; Deficiency of fumarylacetoacetase; HEPATORENAL TYROSINEMIA; FAH DEFICIENCY. Identifiers: Orphanet 882, MedGen C0268490, MONDO:0010161, OMIM 276700. Disease mechanism: loss of function.

Allele frequency attached by ClinVar (database versions not stated): gnomAD exomes below 0.00001.
gnomAD v4.1: 1 of 1,601,648 alleles (0.000062%); highest among the groups gnomAD compares: South Asian, 0.0011%; no homozygotes.

Submissions (2):

Fulgent Genetics
Classification: Likely pathogenic for Tyrosinemia type I. Last evaluated: 2024-06-07. Review status: criteria provided, single submitter. Criteria: ACMG Guidelines, 2015. Collection method: clinical testing. Allele origin: germline.

Labcorp Genetics (formerly Invitae), Labcorp
Classification: Likely pathogenic for Tyrosinemia type I. Last evaluated: 2024-01-24. Review status: criteria provided, single submitter. Criteria: Invitae Variant Classification Sherloc (09022015). Collection method: clinical testing. Allele origin: germline.
Comment: This sequence change affects a donor splice site in intron 8 of the FAH gene. It is expected to disrupt RNA splicing. Variants that disrupt the donor or acceptor splice site typically lead to a loss of protein function (PMID: 16199547), and loss-of-function variants in FAH are known to be pathogenic (PMID: 9101289, 9633815). This variant is not present in population databases (gnomAD no frequency). Disruption of this splice site has been observed in individual(s) with tyrosinemia type 1 (Invitae). Algorithms developed to predict the effect of sequence changes on RNA splicing suggest that this variant may disrupt the consensus splice site. In summary, the currently available evidence indicates that the variant is pathogenic, but additional data are needed to prove that conclusively. Therefore, this variant has been classified as Likely Pathogenic.

Literature cited by the submitters: PubMed 16199547 (cited by Labcorp Genetics (formerly Invitae), Labcorp); PubMed 9101289 (cited by Labcorp Genetics (formerly Invitae), Labcorp); PubMed 9633815 (cited by Labcorp Genetics (formerly Invitae), Labcorp).